The following is an entry in ClinVar:

ClinVar aggregate classification (germline): Uncertain significance (1 of 4 stars; one submission).

Conditions:
Chuvash polycythemia. Also called: POLYCYTHEMIA, VHL-DEPENDENT. Identifiers: Orphanet 238557, MedGen C1837915, MONDO:0009892, OMIM 263400.
Von Hippel-Lindau syndrome (VHLS). Also called: Von Hippel-Lindau; von Hippel–Lindau syndrome; VHL syndrome. Identifiers: Orphanet 892, MedGen C0019562, MONDO:0008667, OMIM 193300. Disease mechanism: loss of function.

Submission:

Labcorp Genetics (formerly Invitae), Labcorp
Classification: Uncertain significance for Von Hippel-Lindau syndrome; Chuvash polycythemia. Last evaluated: 2025-08-07. Review status: criteria provided, single submitter. Criteria: Invitae Variant Classification Sherloc (09022015). Collection method: clinical testing. Allele origin: germline.
Comment: This sequence change replaces proline, which is neutral and non-polar, with alanine, which is neutral and non-polar, at codon 81 of the VHL protein (p.Pro81Ala). This variant is not present in population databases (gnomAD no frequency). This missense change has been observed in individual(s) with erythrocytosis (PMID: 24115288). ClinVar contains an entry for this variant (Variation ID: 1068142). Invitae Evidence Modeling of protein sequence and biophysical properties (such as structural, functional, and spatial information, amino acid conservation, physicochemical variation, residue mobility, and thermodynamic stability) indicates that this missense variant is expected to disrupt VHL protein function with a positive predictive value of 95%. In summary, the available evidence is currently insufficient to determine the role of this variant in disease. Therefore, it has been classified as a Variant of Uncertain Significance.

Literature cited by the submitters: PubMed 24115288.

NM_000551.4(VHL):c.241C>G (p.Pro81Ala)

Gene: VHL (von Hippel-Lindau tumor suppressor; plus strand). Cytogenetic location: 3p25.3.
Variant type: single nucleotide variant.
Coding change: c.241C>G on transcript NM_000551.4 (MANE Select); coding-DNA position 241, C replaced by G.
Protein change: p.Pro81Ala; replaces proline 81 with alanine.
Molecular consequence: missense variant.
Genome position (GRCh38, 1-based): chr3:10,142,088, C>G. VCF-style: chr3-10142088-C-G. GRCh37 (hg19) VCF-style: chr3-10183772-C-G.
Other names: c.241C>G, p.Pro81Ala (NM_001354723.2, NM_198156.3); short protein forms P81A.
Identifiers: ClinVar variation 1068142 (VCV001068142.9), dbSNP rs104893829, ClinGen allele CA351750524.
Genomic context (GRCh38, chr3:10,142,088, plus strand): 5'-CCCGTGCTGCGCTCGGTGAACTCGCGCGAGCCCTCCCAGGTCATCTTCTGCAATCGCAGT[C>G]CGCGCGTCGTGCTGCCCGTATGGCTCAACTTCGACGGCGAGCCGCAGCCCTACCCAACGC-3'
Protein context (NP_000542.1, residues 71-91): PSQVIFCNRS[Pro81Ala]RVVLPVWLNF